The following is an entry in ClinVar:

ClinVar aggregate classification (germline): Uncertain significance (1 of 4 stars; one submission).

Submission:

GeneDx
Classification: Uncertain significance. Last evaluated: 2025-03-16. Review status: criteria provided, single submitter. Criteria: GeneDx Variant Classification Process June 2021. Collection method: clinical testing. Allele origin: germline. Affected: yes.
Comment: Not observed at significant frequency in large population cohorts (gnomAD); In silico analysis supports that this missense variant has a deleterious effect on protein structure/function; Has not been previously published as pathogenic or benign to our knowledge

NM_001375524.1(TRRAP):c.3082T>C (p.Ser1028Pro)

Gene: TRRAP (transformation/transcription domain associated protein; plus strand). Cytogenetic location: 7q22.1.
Variant type: single nucleotide variant.
Coding change: c.3082T>C on transcript NM_001375524.1 (MANE Select); coding-DNA position 3082, T replaced by C.
Protein change: p.Ser1028Pro; replaces serine 1028 with proline.
Molecular consequence: missense variant.
Genome position (GRCh38, 1-based): chr7:98,927,273, T>C. VCF-style: chr7-98927273-T-C. GRCh37 (hg19) VCF-style: chr7-98524896-T-C.
Other names: c.3082T>C, p.Ser1028Pro (NM_001244580.2, NM_003496.4); short protein forms S1028P.
Identifiers: ClinVar variation 4086693 (VCV004086693.1).